The following is an entry in ClinVar:

ClinVar aggregate classification (germline): Uncertain significance (1 of 4 stars; one submission).

Submission:

Labcorp Genetics (formerly Invitae), Labcorp
Classification: Uncertain significance. Last evaluated: 2023-08-29. Review status: criteria provided, single submitter. Criteria: Invitae Variant Classification Sherloc (09022015). Collection method: clinical testing. Allele origin: germline.
Comment: ClinVar contains an entry for this variant (Variation ID: 1715216). This variant has not been reported in the literature in individuals affected with USP9X-related conditions. This variant is not present in population databases (gnomAD no frequency). This sequence change replaces proline, which is neutral and non-polar, with arginine, which is basic and polar, at codon 58 of the USP9X protein (p.Pro58Arg). An algorithm developed to predict the effect of missense changes on protein structure and function (PolyPhen-2) suggests that this variant is likely to be tolerated. In summary, the available evidence is currently insufficient to determine the role of this variant in disease. Therefore, it has been classified as a Variant of Uncertain Significance.

NM_001039591.3(USP9X):c.173C>G (p.Pro58Arg)

Gene: USP9X (ubiquitin specific peptidase 9 X-linked; plus strand). Cytogenetic location: Xp11.4.
Variant type: single nucleotide variant.
Coding change: c.173C>G on transcript NM_001039591.3 (MANE Select); coding-DNA position 173, C replaced by G.
Protein change: p.Pro58Arg; replaces proline 58 with arginine.
Molecular consequence: missense variant.
Genome position (GRCh38, 1-based): chrX:41,129,076, C>G. VCF-style: chrX-41129076-C-G. GRCh37 (hg19) VCF-style: chrX-40988329-C-G.
Other names: c.173C>G, p.Pro58Arg (NM_001039590.3, NM_001410748.1, NM_001410749.1); short protein forms P58R.
Identifiers: ClinVar variation 1715216 (VCV001715216.5), dbSNP rs2519087553, ClinGen allele CA412760393.